The following is an entry in ClinVar:

ClinVar aggregate classification (germline): Likely pathogenic. Review status: criteria provided, single submitter (1 of 4 stars). 2 submissions from 2 submitters: Likely pathogenic (1). 1 of the submissions does not count toward it. Last evaluated 2025-12-12.

Conditions:
ATM-related cancer predisposition. Also called: ATM-related cancer susceptibility. Identifiers: MedGen CN377759, MONDO:0700270.
Ataxia-telangiectasia syndrome (AT). Also called: LOUIS-BAR SYNDROME; AT, COMPLEMENTATION GROUP C; Cerebello-oculocutaneous telangiectasia; Immunodeficiency with ataxia telangiectasia; Ataxia-telangiectasia, complementation group E; Ataxia-telangiectasia, complementation group D. Identifiers: Orphanet 100, MedGen C0004135, MONDO:0008840, OMIM 208900.

Submissions (2):

Hema, HEMA – Genetic and Molecular Diagnostic Laboratory
Classification: Likely pathogenic for ATM-related cancer predisposition. Last evaluated: 2025-12-12. Review status: criteria provided, single submitter. Criteria: HEMA Variant Classification Assertion Criteria. Collection method: clinical testing. Allele origin: germline.
Comment: The variant c.1066-2A>C is a transversion from adenine to cytosine located in the canonical acceptor splicing site of intron 8 of the ATM gene. PVS1: Null variant (affects canonical splicing site) in a gene for which loss of function is a known disease mechanism. The variant affects a canonical acceptor splicing site, which is predicted to lead to loss of function of the gene through nonsense-mediated decay (NMD) of the transcript. PM2_Supporting: Absent in the gnomAD v4.1.0 database.

Counsyl
Classification: Likely pathogenic for Ataxia-telangiectasia syndrome. Last evaluated: 2017-04-24. Review status: no assertion criteria provided. Collection method: clinical testing. Allele origin: unknown. Not counted in ClinVar's aggregate classification.

NM_000051.4(ATM):c.1066-2A>C

Gene: ATM (ATM serine/threonine kinase; plus strand). Cytogenetic location: 11q22.3.
Variant type: single nucleotide variant.
Coding change: c.1066-2A>C on transcript NM_000051.4 (MANE Select); the canonical splice acceptor site of the intron before coding-DNA position 1066, A replaced by C.
Molecular consequence: splice acceptor variant.
Genome position (GRCh38, 1-based): chr11:108,248,931, A>C. VCF-style: chr11-108248931-A-C. GRCh37 (hg19) VCF-style: chr11-108119658-A-C.
Other names: c.1066-2A>C (NM_001351834.2).
Identifiers: ClinVar variation 551605 (VCV000551605.3), dbSNP rs1555069514, ClinGen allele CA382532306.